The following is an entry in ClinVar:

NM_001288705.3(CSF1R):c.1088C>A (p.Thr363Asn)

Gene: CSF1R (colony stimulating factor 1 receptor; minus strand). Cytogenetic location: 5q32.
Variant type: single nucleotide variant.
Coding change: c.1088C>A on transcript NM_001288705.3 (MANE Select); coding-DNA position 1088, C replaced by A.
Protein change: p.Thr363Asn; replaces threonine 363 with asparagine.
Molecular consequence: missense variant. On other transcripts: non-coding transcript variant (2).
Genome position (GRCh38, 1-based): chr5:150,070,566, G>T on the plus strand (C>A on the coding strand, the complement: CSF1R is on the minus strand). VCF-style: chr5-150070566-G-T. GRCh37 (hg19) VCF-style: chr5-149450129-G-T.
Other names: c.1088C>A, p.Thr363Asn (NM_001349736.2, NM_001375320.1, NM_005211.4); c.644C>A, p.Thr215Asn (NM_001375321.1); short protein forms T215N, T363N.
Identifiers: ClinVar variation 3269753 (VCV003269753.4).

ClinVar aggregate classification (germline): Uncertain significance. Review status: criteria provided, multiple submitters, no conflicts (2 of 4 stars). 3 submissions from 3 submitters: Uncertain significance (3). Last evaluated 2025-12-15.

Conditions:
Inborn genetic diseases. Identifiers: MedGen C0950123, MeSH D030342.

gnomAD v4.1: 83 of 1,527,202 alleles (0.0054%); highest among the groups gnomAD compares: Non-Finnish European, 0.007%; no homozygotes.

Submissions (3):

Labcorp Genetics (formerly Invitae), Labcorp
Classification: Uncertain significance. Last evaluated: 2025-12-15. Review status: criteria provided, single submitter. Criteria: Invitae Variant Classification Sherloc (09022015). Collection method: clinical testing. Allele origin: germline.
Comment: This sequence change replaces threonine, which is neutral and polar, with asparagine, which is neutral and polar, at codon 363 of the CSF1R protein (p.Thr363Asn). This variant is present in population databases (no rsID available, gnomAD 0.002%). This missense change has been observed in individual(s) with CSF1R-related conditions (PMID: 38465843). ClinVar contains an entry for this variant (Variation ID: 3269753). Invitae Evidence Modeling of protein sequence and biophysical properties (such as structural, functional, and spatial information, amino acid conservation, physicochemical variation, residue mobility, and thermodynamic stability) indicates that this missense variant is not expected to disrupt CSF1R protein function with a negative predictive value of 95%. In summary, the available evidence is currently insufficient to determine the role of this variant in disease. Therefore, it has been classified as a Variant of Uncertain Significance.

Blueprint Genetics
Classification: Uncertain significance. Last evaluated: 2024-07-25. Review status: criteria provided, single submitter. Criteria: ACMG Guidelines, 2015. Collection method: clinical testing. Allele origin: germline.

Ambry Genetics
Classification: Uncertain significance for Inborn genetic diseases. Last evaluated: 2024-05-24. Review status: criteria provided, single submitter. Criteria: Ambry Variant Classification Scheme 2023. Collection method: clinical testing. Allele origin: germline.

Literature cited by the submitters: PubMed 38465843 (cited by Labcorp Genetics (formerly Invitae), Labcorp).